The following is an entry in ClinVar:

ClinVar aggregate classification (germline): Uncertain significance (1 of 4 stars; one submission).

Conditions:
Duane retraction syndrome 3 with or without deafness (DURS3). Also called: Duane syndrome type 3; DUANE RETRACTION SYNDROME 3. Identifiers: Orphanet 233, MedGen C4310752, MONDO:0014880, OMIM 617041.

Submission:

MVZ Medizinische Genetik Mainz
Classification: Uncertain significance for Duane retraction syndrome 3 with or without deafness. Last evaluated: 2026-05-07. Review status: criteria provided, single submitter. Criteria: UK Practice Guidelines For Variant Classification V4 01 2020. Collection method: clinical testing. Allele origin: germline. Inheritance: Autosomal dominant inheritance. Affected: yes. Observed: 1 variant allele.
Comment: ACMG Criteria: PP3_STR,PM2_SUP

NM_005461.5(MAFB):c.671T>C (p.Leu224Pro)

Gene: MAFB (MAF bZIP transcription factor B; minus strand). Cytogenetic location: 20q12.
Variant type: single nucleotide variant.
Coding change: c.671T>C on transcript NM_005461.5 (MANE Select); coding-DNA position 671, T replaced by C.
Protein change: p.Leu224Pro; replaces leucine 224 with proline.
Molecular consequence: missense variant.
Genome position (GRCh38, 1-based): chr20:40,688,180, A>G on the plus strand (T>C on the coding strand, the complement: MAFB is on the minus strand). VCF-style: chr20-40688180-A-G. GRCh37 (hg19) VCF-style: chr20-39316820-A-G.
Other names: short protein forms L224P.
Identifiers: ClinVar variation 4852358 (VCV004852358.1).